The following is an entry in ClinVar:

ClinVar aggregate classification (germline): Likely benign. Review status: reviewed by expert panel (3 of 4 stars). 7 submissions from 7 submitters: Likely benign (1). 6 of the submissions do not count toward it. Last evaluated 2021-05-07.

Conditions:
Glanzmann thrombasthenia. Also called: Glanzmann's thrombasthenia; THROMBASTHENIA OF GLANZMANN AND NAEGELI; PLATELET GLYCOPROTEIN IIb-IIIa DEFICIENCY; Thrombasthenia. Identifiers: Orphanet 849, MedGen C0040015, MONDO:0100326.
ITGB3-related disorder. Also called: ITGB3-related condition.

Allele frequency attached by ClinVar (database versions not stated): ExAC 0.00011; gnomAD exomes 0.00014 and 0.00030; TOPMed 0.00015; gnomAD 0.00018 and 0.00019.
gnomAD v4.1: 467 of 1,613,944 alleles (0.029%); highest among the groups gnomAD compares: Non-Finnish European, 0.037%; no homozygotes.

Submissions (7):

ClinGen Platelet Disorders Variant Curation Expert Panel, ClinGen
Classification: Likely benign for Glanzmann thrombasthenia. Last evaluated: 2021-05-07. Review status: reviewed by expert panel. Criteria: ClinGen Platelet ACMG Specifications v2. Collection method: curation. Allele origin: germline. Inheritance: Autosomal recessive inheritance.
Comment: The NM_000212.2(ITGB3):c.537C>T (p.Phe179=) synonymous variant was observed by Illumina as part of a predisposition screen in an ostensibly healthy population and has been reported in the literature in a blood donor cohort (PMID: 32110192) but has not been reported in a GT patient. It is not predicted to have an impact on splicing and occurs at an intermediate allele frequency of 0.0002540 (9/35438 alleles) in the gnomAD Latino population. In summary this variant meets criteria to be classified as likely benign. GT-specific criteria applied: BP4 and BP7.

Women's Health and Genetics/Laboratory Corporation of America, LabCorp
Classification: Likely benign. Last evaluated: 2026-04-15. Review status: criteria provided, single submitter. Criteria: LabCorp Variant Classification Summary - May 2015. Collection method: clinical testing. Allele origin: germline. Not counted in ClinVar's aggregate classification.

Labcorp Genetics (formerly Invitae), Labcorp
Classification: Likely benign. Last evaluated: 2026-01-19. Review status: criteria provided, single submitter. Criteria: Invitae Variant Classification Sherloc (09022015). Collection method: clinical testing. Allele origin: germline. Not counted in ClinVar's aggregate classification.

Blueprint Genetics
Classification: Likely benign. Last evaluated: 2024-10-18. Review status: criteria provided, single submitter. Criteria: ACMG Guidelines, 2015. Collection method: clinical testing. Allele origin: germline. Not counted in ClinVar's aggregate classification.

Genetic Services Laboratory, University of Chicago
Classification: Likely benign. Last evaluated: 2020-12-02. Review status: criteria provided, single submitter. Criteria: ACMG Guidelines, 2015. Collection method: clinical testing. Allele origin: germline. Affected: no. Not counted in ClinVar's aggregate classification.

Illumina Laboratory Services, Illumina
Classification: Uncertain significance for Glanzmann thrombasthenia 1. Last evaluated: 2018-01-12. Review status: criteria provided, single submitter. Criteria: ICSL Variant Classification Criteria 13 December 2019. Collection method: clinical testing. Allele origin: germline. Not counted in ClinVar's aggregate classification.

PreventionGenetics, part of Exact Sciences
Classification: Likely benign for ITGB3-related condition. Last evaluated: 2019-03-13. Review status: no assertion criteria provided. Collection method: clinical testing. Allele origin: germline. Not counted in ClinVar's aggregate classification.
Comment: This variant is classified as likely benign based on ACMG/AMP sequence variant interpretation guidelines (Richards et al. 2015 PMID: 25741868, with internal and published modifications).

NM_000212.3(ITGB3):c.537C>T (p.Phe179=)

Gene: ITGB3 (integrin subunit beta 3; plus strand). Cytogenetic location: 17q21.32.
Variant type: single nucleotide variant.
Coding change: c.537C>T on transcript NM_000212.3 (MANE Select); coding-DNA position 537, C replaced by T.
Protein change: p.Phe179=; no amino-acid change (phenylalanine 179 retained).
Molecular consequence: synonymous variant.
Genome position (GRCh38, 1-based): chr17:47,284,618, C>T. VCF-style: chr17-47284618-C-T. GRCh37 (hg19) VCF-style: chr17-45361984-C-T.
Other names: c.537C>T (NM_000212.2).
Identifiers: ClinVar variation 323864 (VCV000323864.20), dbSNP rs770144031, ClinGen allele CA8622971.
Genomic context (GRCh38, chr17:47,284,618, plus strand): 5'-CCTGGGTACCAAGCTGGCCACCCAGATGCGAAAGCTCACCAGTAACCTGCGGATTGGCTT[C>T]GGGGCATTTGTGGACAAGCCTGTGTCACCATACATGTATATCTCCCCACCAGAGGCCCTC-3'
Protein context (NP_000203.2, residues 169-189): RKLTSNLRIG[Phe179=]GAFVDKPVSP